The following is an entry in ClinVar:

ClinVar aggregate classification (germline): Likely pathogenic (1 of 4 stars; one submission).

Conditions:
Hyperornithinemia-hyperammonemia-homocitrullinuria syndrome (HHHS). Also called: Ornithine translocase deficiency; HHH SYNDROME. Identifiers: Orphanet 415, MedGen C0268540, MONDO:0009393, OMIM 238970.

Submission:

Diagnostics Services (NGS), CSIR - Centre For Cellular And Molecular Biology
Classification: Likely pathogenic for Hyperornithinemia-hyperammonemia-homocitrullinuria syndrome. Last evaluated: 2023-05-30. Review status: criteria provided, single submitter. Criteria: ACMG Guidelines, 2015. Collection method: clinical testing. Allele origin: germline. Affected: yes. Observed: 1 variant allele, 1 homozygote.
Comment: The c.391_395del variant is not present in publicly available population databases like 1000 Genomes, ExAC, EVS, gnomAD, Indian Exome Database or our in-house exome database. The variant has neither been published in literature nor reported to clinical databases like in ClinVar, Human Gene Mutation Database (HGMD) or OMIM, in any affected individuals. In silico pathogenicity prediction programs like MutationTaster2, CADD, Varsome, Franklin etc predicted this variant to be likely deleterious. This variant causes frameshift at the 131st amino acid position of the wild-type transcript which creates a premature translational stop signal in the altered transcript that may either result in translation of a truncated protein or cause nonsense mediated decay of the mRNA.

NM_014252.4(SLC25A15):c.391_395del (p.Lys131fs)

Gene: SLC25A15 (solute carrier family 25 member 15; plus strand). Cytogenetic location: 13q14.11.
Variant type: Deletion.
Coding change: c.391_395del on transcript NM_014252.4 (MANE Select); coding-DNA positions 391 to 395, 5 bases deleted (AAGTG; older notation c.391_395delAAGTG).
Protein change: p.Lys131fs; shifts the reading frame from lysine 131.
Molecular consequence: frameshift variant.
Genome position (GRCh38, 1-based): chr13:40,805,194-40,805,198, AAGTG deleted; deleting any 5 consecutive bases within chr13:40,805,191-40,805,198 gives the same sequence; the c. name uses the placement nearest the transcript's 3' end. VCF-style (leftmost placement, unchanged base first): chr13-40805190-CGTGAA-C. GRCh37 (hg19) VCF-style: chr13-41379326-CGTGAA-C.
Other names: short protein forms K131fs.
Identifiers: ClinVar variation 2505350 (VCV002505350.2), dbSNP rs2546920893, ClinGen allele CA2580614715.